The following is an entry in ClinVar:

NM_032520.5(GNPTG):c.5CGG[1] (p.Ala3del)

Genes: GNPTG (N-acetylglucosamine-1-phosphate transferase subunit gamma; plus strand), LOC130058158 (ATAC-STARR-seq lymphoblastoid silent region 6972; plus strand). Cytogenetic location: 16p13.3.
Variant type: Microsatellite.
Coding change: c.5CGG[1] on transcript NM_032520.5 (MANE Select); one copy of the 3-base unit CGG starting at c.5; the reference has two copies in a row; one copy, 3 bases deleted; also written c.8_10del.
Protein change: p.Ala3del; deletes alanine 3.
Molecular consequence: inframe deletion, initiator codon variant.
Genome position (GRCh38, 1-based): chr16:1,351,973-1,351,975, CGG deleted; deleting any 3 consecutive bases within chr16:1,351,968-1,351,975 gives the same sequence; the position shown is the placement nearest the transcript's 3' end. VCF-style (leftmost placement, unchanged base first): chr16-1351967-TGGC-T. GRCh37 (hg19) VCF-style: chr16-1401968-TGGC-T.
Other names: c.8_10del (NM_032520.4); short protein forms A3del.
Identifiers: ClinVar variation 555097 (VCV000555097.10), dbSNP rs1344845304, ClinGen allele CA620700423.

ClinVar aggregate classification (germline): Uncertain significance. Review status: criteria provided, single submitter (1 of 4 stars). 2 submissions from 2 submitters: Uncertain significance (1). 1 of the submissions does not count toward it. Last evaluated 2021-08-24.

Conditions:
GNPTG-mucolipidosis. Also called: Mucolipidosis type III gamma; ML III GAMMA; ML IIIC; MUCOLIPIDOSIS III, COMPLEMENTATION GROUP C; MUCOLIPIDOSIS III, IRANIAN VARIANT FORM; MUCOLIPIDOSIS III, VARIANT FORM. Identifiers: Orphanet 423470, Orphanet 577, MedGen C1854896, MONDO:0009652, OMIM 252605.

Submissions (2):

Labcorp Genetics (formerly Invitae), Labcorp
Classification: Uncertain significance. Last evaluated: 2021-08-24. Review status: criteria provided, single submitter. Criteria: Invitae Variant Classification Sherloc (09022015). Collection method: clinical testing. Allele origin: germline.
Comment: This variant, c.8_10del, results in the deletion of 1 amino acid(s) of the GNPTG protein (p.Ala3del), but otherwise preserves the integrity of the reading frame. The frequency data for this variant in the population databases is considered unreliable, as metrics indicate insufficient coverage at this position in the ExAC database. This variant has not been reported in the literature in individuals affected with GNPTG-related conditions. ClinVar contains an entry for this variant (Variation ID: 555097). Experimental studies and prediction algorithms are not available or were not evaluated, and the functional significance of this variant is currently unknown. In summary, the available evidence is currently insufficient to determine the role of this variant in disease. Therefore, it has been classified as a Variant of Uncertain Significance.

Counsyl
Classification: Uncertain significance for GNPTG-mucolipidosis. Last evaluated: 2017-11-17. Review status: no assertion criteria provided. Collection method: clinical testing. Allele origin: unknown. Not counted in ClinVar's aggregate classification.